The following is an entry in ClinVar:

ClinVar aggregate classification (germline): Uncertain significance (1 of 4 stars; one submission).

Allele frequency attached by ClinVar (database versions not stated): gnomAD 0.00001; TOPMed 0.00001; ExAC 0.00002.
gnomAD v4.1: 10 of 1,607,346 alleles (0.00062%); highest among the groups gnomAD compares: Middle Eastern, 0.016%; no homozygotes.

Submission:

Labcorp Genetics (formerly Invitae), Labcorp
Classification: Uncertain significance. Last evaluated: 2022-06-23. Review status: criteria provided, single submitter. Criteria: Invitae Variant Classification Sherloc (09022015). Collection method: clinical testing. Allele origin: germline.
Comment: This sequence change replaces proline, which is neutral and non-polar, with leucine, which is neutral and non-polar, at codon 20 of the RARS2 protein (p.Pro20Leu). This variant is present in population databases (rs779443645, gnomAD 0.009%). This variant has not been reported in the literature in individuals affected with RARS2-related conditions. Advanced modeling of protein sequence and biophysical properties (such as structural, functional, and spatial information, amino acid conservation, physicochemical variation, residue mobility, and thermodynamic stability) performed at Invitae indicates that this missense variant is not expected to disrupt RARS2 protein function. In summary, the available evidence is currently insufficient to determine the role of this variant in disease. Therefore, it has been classified as a Variant of Uncertain Significance.

NM_020320.5(RARS2):c.59C>T (p.Pro20Leu)

Gene: RARS2 (arginyl-tRNA synthetase 2, mitochondrial; minus strand). Cytogenetic location: 6q15.
Variant type: single nucleotide variant.
Coding change: c.59C>T on transcript NM_020320.5 (MANE Select); coding-DNA position 59, C replaced by T.
Protein change: p.Pro20Leu; replaces proline 20 with leucine.
Molecular consequence: missense variant. On other transcripts: 5 prime UTR variant (6), non-coding transcript variant (21), intron variant (1).
Genome position (GRCh38, 1-based): chr6:87,569,568, G>A on the plus strand (C>T on the coding strand, the complement: RARS2 is on the minus strand). VCF-style: chr6-87569568-G-A. GRCh37 (hg19) VCF-style: chr6-88279286-G-A.
Other names: c.-411C>T (NM_001318785.2); c.59C>T, p.Pro20Leu (NM_001350505.2); c.-467C>T (NM_001350506.2, NM_001350507.2, NM_001350510.2); c.-629C>T (NM_001350508.2); c.-586C>T (NM_001350511.2); c.-359-5336C>T (NM_001350509.2); short protein forms P20L.
Identifiers: ClinVar variation 2180219 (VCV002180219.1), dbSNP rs779443645, ClinGen allele CA3916793.